The following is an entry in ClinVar:

ClinVar aggregate classification (germline): Conflicting classifications of pathogenicity. Review status: criteria provided, conflicting classifications (1 of 4 stars). 2 submissions from 2 submitters: Uncertain significance (1); Likely benign (1). Last evaluated 2025-10-22.

Conditions:
Renal cell carcinoma. Identifiers: Orphanet 217071, MedGen C0007134, MeSH D002292, MONDO:0005086, HP:0005584.
Hereditary cancer-predisposing syndrome. Also called: Tumor predisposition; Hereditary neoplastic syndrome; Neoplastic Syndromes, Hereditary; Hereditary Cancer Syndrome. Identifiers: Orphanet 140162, MedGen C0027672, MeSH D009386, MONDO:0015356.

Submissions (2):

Ambry Genetics
Classification: Likely benign for Hereditary cancer-predisposing syndrome. Last evaluated: 2025-10-22. Review status: criteria provided, single submitter. Criteria: Ambry Variant Classification Scheme 2023. Collection method: clinical testing. Allele origin: germline.

Labcorp Genetics (formerly Invitae), Labcorp
Classification: Uncertain significance for Renal cell carcinoma. Last evaluated: 2024-09-03. Review status: criteria provided, single submitter. Criteria: Invitae Variant Classification Sherloc (09022015). Collection method: clinical testing. Allele origin: germline.
Comment: This sequence change replaces alanine, which is neutral and non-polar, with serine, which is neutral and polar, at codon 629 of the MET protein (p.Ala629Ser). This variant is not present in population databases (gnomAD no frequency). This variant has not been reported in the literature in individuals affected with MET-related conditions. Invitae Evidence Modeling of protein sequence and biophysical properties (such as structural, functional, and spatial information, amino acid conservation, physicochemical variation, residue mobility, and thermodynamic stability) indicates that this missense variant is not expected to disrupt MET protein function with a negative predictive value of 80%. In summary, the available evidence is currently insufficient to determine the role of this variant in disease. Therefore, it has been classified as a Variant of Uncertain Significance.

NM_000245.4(MET):c.1885G>T (p.Ala629Ser)

Gene: MET (MET proto-oncogene, receptor tyrosine kinase; plus strand). Cytogenetic location: 7q31.2.
Variant type: single nucleotide variant.
Coding change: c.1885G>T on transcript NM_000245.4 (MANE Select); coding-DNA position 1885, G replaced by T.
Protein change: p.Ala629Ser; replaces alanine 629 with serine.
Molecular consequence: missense variant.
Genome position (GRCh38, 1-based): chr7:116,757,459, G>T. VCF-style: chr7-116757459-G-T. GRCh37 (hg19) VCF-style: chr7-116397513-G-T.
Other names: c.1885G>T, p.Ala629Ser (NM_001127500.3, NM_001324401.3); c.595G>T, p.Ala199Ser (NM_001324402.2); short protein forms A199S, A629S.
Identifiers: ClinVar variation 3605147 (VCV003605147.3).
Genomic context (GRCh38, chr7:116,757,459, plus strand): 5'-GGATTTGTCATGTATTAAACTTTGGGTTTTTTTTCCAGATTGAAATGCACAGTTGGTCCT[G>T]CCATGAATAAGCATTTCAATATGTCCATAATTATTTCAAATGGCCACGGGACAACACAAT-3'
Protein context (NP_000236.2, residues 619-639): MNTLKCTVGP[Ala629Ser]MNKHFNMSII